The following is an entry in ClinVar:

ClinVar aggregate classification (germline): Likely benign (0 of 4 stars; one submission).

Conditions:
CHD5-related disorder. Also called: CHD5-related condition.

gnomAD v4.1: 29 of 1,614,096 alleles (0.0018%); highest among the groups gnomAD compares: Non-Finnish European, 0.0025%; 1 homozygote.

Submission:

PreventionGenetics, part of Exact Sciences
Classification: Likely benign for CHD5-related condition. Last evaluated: 2024-07-12. Review status: no assertion criteria provided. Collection method: clinical testing. Allele origin: germline.
Comment: This variant is classified as likely benign based on ACMG/AMP sequence variant interpretation guidelines (Richards et al. 2015 PMID: 25741868, with internal and published modifications).

NM_015557.3(CHD5):c.5031C>A (p.Pro1677=)

Gene: CHD5 (chromodomain helicase DNA binding protein 5; minus strand). Cytogenetic location: 1p36.31.
Variant type: single nucleotide variant.
Coding change: c.5031C>A on transcript NM_015557.3 (MANE Select); coding-DNA position 5031, C replaced by A.
Protein change: p.Pro1677=; no amino-acid change (proline 1677 retained).
Molecular consequence: synonymous variant.
Genome position (GRCh38, 1-based): chr1:6,112,249, G>T on the plus strand (C>A on the coding strand, the complement: CHD5 is on the minus strand). VCF-style: chr1-6112249-G-T. GRCh37 (hg19) VCF-style: chr1-6172309-G-T.
Identifiers: ClinVar variation 3350654 (VCV003350654.1).
Genomic context (GRCh38, chr1:6,112,249, plus strand): 5'-CTTGTCCTCCTTCTTCCCCTCGTCATCTTCCTCTTTGTCACCATTTTGCTGTGTTTCAAT[G>T]GGCTCCTTCTCCTCAGCCTTGGTGTCATCTGCCGGGGACAGATCACATTCATTCATCCAT-3'
Protein context (NP_056372.1, residues 1667-1687): PDDTKAEEKE[Pro1677=]IETQQNGDKE